The following is an entry in ClinVar:

NM_000718.4(CACNA1B):c.4539G>A (p.Met1513Ile)

Gene: CACNA1B (calcium voltage-gated channel subunit alpha1 B; plus strand). Cytogenetic location: 9q34.3.
Variant type: single nucleotide variant.
Coding change: c.4539G>A on transcript NM_000718.4 (MANE Select); coding-DNA position 4539, G replaced by A.
Protein change: p.Met1513Ile; replaces methionine 1513 with isoleucine.
Molecular consequence: missense variant.
Genome position (GRCh38, 1-based): chr9:138,059,144, G>A. VCF-style: chr9-138059144-G-A. GRCh37 (hg19) VCF-style: chr9-140953596-G-A.
Other names: c.4539G>A, p.Met1513Ile (NM_001243812.2); short protein forms M1513I.
Identifiers: ClinVar variation 2182752 (VCV002182752.1), dbSNP rs201173113, ClinGen allele CA5377020.

ClinVar aggregate classification (germline): Uncertain significance (1 of 4 stars; one submission).

Allele frequency attached by ClinVar (database versions not stated): gnomAD 0.00001; ExAC 0.00003; gnomAD exomes 0.00003; TOPMed 0.00003; ESP Exome Variant Server 0.00008.

Submission:

Labcorp Genetics (formerly Invitae), Labcorp
Classification: Uncertain significance. Last evaluated: 2022-03-29. Review status: criteria provided, single submitter. Criteria: Invitae Variant Classification Sherloc (09022015). Collection method: clinical testing. Allele origin: germline.
Comment: This sequence change replaces methionine, which is neutral and non-polar, with isoleucine, which is neutral and non-polar, at codon 1513 of the CACNA1B protein (p.Met1513Ile). This variant is present in population databases (rs201173113, gnomAD 0.006%). This variant has not been reported in the literature in individuals affected with CACNA1B-related conditions. Advanced modeling of protein sequence and biophysical properties (such as structural, functional, and spatial information, amino acid conservation, physicochemical variation, residue mobility, and thermodynamic stability) performed at Invitae indicates that this missense variant is not expected to disrupt CACNA1B protein function. In summary, the available evidence is currently insufficient to determine the role of this variant in disease. Therefore, it has been classified as a Variant of Uncertain Significance.